The following is an entry in ClinVar:

ClinVar aggregate classification (germline): Benign. Review status: criteria provided, multiple submitters, no conflicts (2 of 4 stars). 2 submissions from 2 submitters: Benign (2). Last evaluated 2018-03-12.

Conditions:
Maple syrup urine disease (MSUD). Identifiers: Orphanet 511, MedGen C0024776, MeSH D008375, MONDO:0009563. Disease mechanism: loss of function.

Allele frequency attached by ClinVar (database versions not stated): gnomAD 0.00001 and 0.00060; TOPMed 0.00010; gnomAD exomes 0.00081 and 0.00170; ExAC 0.00165; 1000 Genomes Project 30x 0.00406; 1000 Genomes Project 0.00419.
gnomAD v4.1: 1,248 of 1,566,446 alleles (0.08%); highest among the groups gnomAD compares: South Asian, 1.4%; 20 homozygotes.

Submissions (2):

GeneDx
Classification: Benign. Last evaluated: 2018-03-12. Review status: criteria provided, single submitter. Criteria: GeneDx Variant Classification Process June 2021. Collection method: clinical testing. Allele origin: germline. Affected: yes.

Illumina Laboratory Services, Illumina
Classification: Benign for Maple syrup urine disease type 1A. Last evaluated: 2018-01-13. Review status: criteria provided, single submitter. Criteria: ICSL Variant Classification Criteria 13 December 2019. Collection method: clinical testing. Allele origin: germline.
Comment: This variant was observed in the ICSL laboratory as part of a predisposition screen in an ostensibly healthy population. It had not been previously curated by ICSL or reported in the Human Gene Mutation Database (HGMD: prior to June 1st, 2018), and was therefore a candidate for classification through an automated scoring system. Utilizing variant allele frequency, disease prevalence and penetrance estimates, and inheritance mode, an automated score was calculated to assess if this variant is too frequent to cause the disease. Based on the score and internal cut-off values, a variant classified as benign is not then subjected to further curation. The score for this variant resulted in a classification of benign for this disease.

NM_000709.4(BCKDHA):c.*17C>T

Gene: BCKDHA (branched chain keto acid dehydrogenase E1 subunit alpha; plus strand). Cytogenetic location: 19q13.2.
Variant type: single nucleotide variant.
Coding change: c.*17C>T on transcript NM_000709.4 (MANE Select); 17 bases downstream of the stop codon, C replaced by T.
Molecular consequence: 3 prime UTR variant.
Genome position (GRCh38, 1-based): chr19:41,424,625, C>T. VCF-style: chr19-41424625-C-T. GRCh37 (hg19) VCF-style: chr19-41930530-C-T.
Other names: c.*17C>T (NM_001164783.2).
Identifiers: ClinVar variation 329369 (VCV000329369.8), dbSNP rs372125840, ClinGen allele CA9461436.